The following is an entry in ClinVar:

NM_001292063.2(OTOG):c.7586-1_7586delinsTT

Gene: OTOG (otogelin; plus strand). Cytogenetic location: 11p15.1.
Variant type: Indel.
Coding change: c.7586-1_7586delinsTT on transcript NM_001292063.2 (MANE Select); the canonical splice acceptor site of the intron before coding-DNA position 7586 through coding-DNA position 7586, GA replaced by TT.
Molecular consequence: splice acceptor variant.
Genome position (GRCh38, 1-based): chr11:17,635,079-17,635,080, GA replaced by TT. VCF-style: chr11-17635079-GA-TT. GRCh37 (hg19) VCF-style: chr11-17656626-GA-TT.
Other names: c.7622-1_7622delinsTT (NM_001277269.2).
Identifiers: ClinVar variation 2709081 (VCV002709081.3), dbSNP rs2497622053, ClinGen allele CA2697548490.

ClinVar aggregate classification (germline): Likely pathogenic (1 of 4 stars; one submission).

Submission:

Labcorp Genetics (formerly Invitae), Labcorp
Classification: Likely pathogenic. Last evaluated: 2024-01-12. Review status: criteria provided, single submitter. Criteria: Invitae Variant Classification Sherloc (09022015). Collection method: clinical testing. Allele origin: germline.
Comment: This variant results in the deletion of part of exon 45 (c.7622-1_7622delinsTT) of the OTOG gene. It is expected to disrupt RNA splicing. Variants that disrupt the donor or acceptor splice site typically lead to a loss of protein function (PMID: 16199547), and loss-of-function variants in OTOG are known to be pathogenic (PMID: 23122587). Information on the frequency of this variant in the gnomAD database is not available, as this variant may be reported differently in the database. This variant has not been reported in the literature in individuals affected with OTOG-related conditions. In summary, the currently available evidence indicates that the variant is pathogenic, but additional data are needed to prove that conclusively. Therefore, this variant has been classified as Likely Pathogenic.

Literature cited by the submitters: PubMed 16199547; PubMed 23122587.